The following is an entry in ClinVar:

NM_138694.4(PKHD1):c.103G>A (p.Gly35Arg)

Gene: PKHD1 (PKHD1 ciliary IPT domain containing fibrocystin/polyductin; minus strand). Cytogenetic location: 6p12.2.
Variant type: single nucleotide variant.
Coding change: c.103G>A on transcript NM_138694.4 (MANE Select); coding-DNA position 103, G replaced by A.
Protein change: p.Gly35Arg; replaces glycine 35 with arginine.
Molecular consequence: missense variant.
Genome position (GRCh38, 1-based): chr6:52,083,205, C>T on the plus strand (G>A on the coding strand, the complement: PKHD1 is on the minus strand). VCF-style: chr6-52083205-C-T. GRCh37 (hg19) VCF-style: chr6-51948003-C-T.
Other names: c.103G>A (NM_138694.3); c.103G>A, p.Gly35Arg (NM_170724.3); short protein forms G35R.
Identifiers: ClinVar variation 3625916 (VCV003625916.6).

ClinVar aggregate classification (germline): Conflicting classifications of pathogenicity. Review status: criteria provided, conflicting classifications (1 of 4 stars). 5 submissions from 5 submitters: Likely pathogenic (1); Uncertain significance (4). Last evaluated 2025-12-16.

Conditions:
PKHD1-related disorder. Also called: PKHD1-related condition.
Autosomal recessive polycystic kidney disease (ARPKD). Also called: AR polycystic kidney disease. Identifiers: Orphanet 731, Orphanet 8378, MedGen C0085548, MeSH D017044, MONDO:0009889.
Polycystic kidney disease 4 (PKD4). Also called: POLYCYSTIC KIDNEY DISEASE 4 WITH OR WITHOUT POLYCYSTIC LIVER DISEASE; PKD3; POLYCYSTIC KIDNEY AND HEPATIC DISEASE 1; POLYCYSTIC KIDNEY DISEASE, INFANTILE, TYPE I; Autosomal Recessive Polycystic Kidney Disease – PKHD1. Identifiers: MedGen C4540575, MONDO:0033004, OMIM 263200.

gnomAD v4.1: 56 of 1,611,352 alleles (0.0035%); highest among the groups gnomAD compares: Non-Finnish European, 0.0046%; no homozygotes.

Submissions (5):

Myriad Genetics, Inc.
Classification: Uncertain significance for Polycystic kidney disease 4. Last evaluated: 2025-12-16. Review status: criteria provided, single submitter. Criteria: Myriad Autosomal Dominant, Autosomal Recessive and X-Linked Classification Criteria (2023). Collection method: clinical testing. Allele origin: unknown.
Comment: NM_138694.3(PKHD1):c.103G>A(G35R) is a missense variant classified as a variant of uncertain significance in the context of autosomal recessive polycystic kidney disease, PKHD1-related. G35R has been observed in a case with relevant disease (PMID: 39888183). Relevant functional assessments of this variant are not available in the literature. G35R has been observed in referenced population frequency databases. In summary, there is insufficient evidence to classify NM_138694.3(PKHD1):c.103G>A(G35R) as pathogenic or benign. Please note: this variant was assessed in the context of healthy population screening.

Genesolutions, Medical Genetics Institutes, Ho Chi Minh City, Vietnam
Classification: Uncertain significance for Polycystic kidney disease 4. Last evaluated: 2025-09-24. Review status: criteria provided, single submitter. Criteria: ACMG Guidelines, 2015. Collection method: clinical testing. Allele origin: germline. Affected: yes.

Labcorp Genetics (formerly Invitae), Labcorp
Classification: Uncertain significance for Autosomal recessive polycystic kidney disease. Last evaluated: 2024-11-13. Review status: criteria provided, single submitter. Criteria: Invitae Variant Classification Sherloc (09022015). Collection method: clinical testing. Allele origin: germline.
Comment: This sequence change replaces glycine, which is neutral and non-polar, with arginine, which is basic and polar, at codon 35 of the PKHD1 protein (p.Gly35Arg). This variant is present in population databases (rs780558152, gnomAD 0.006%). This variant has not been reported in the literature in individuals affected with PKHD1-related conditions. Invitae Evidence Modeling of protein sequence and biophysical properties (such as structural, functional, and spatial information, amino acid conservation, physicochemical variation, residue mobility, and thermodynamic stability) indicates that this missense variant is expected to disrupt PKHD1 protein function with a positive predictive value of 95%. In summary, the available evidence is currently insufficient to determine the role of this variant in disease. Therefore, it has been classified as a Variant of Uncertain Significance.

Blueprint Genetics
Classification: Likely pathogenic for PKHD1-related disorders. Last evaluated: 2024-06-12. Review status: criteria provided, single submitter. Criteria: ACMG Guidelines, 2015. Collection method: clinical testing. Allele origin: germline. Affected: yes. Observed: 3 variant alleles.

Department of Pathology and Laboratory Medicine, Sinai Health System
Classification: Uncertain significance for Polycystic kidney disease 4. Last evaluated: 2022-12-01. Review status: criteria provided, single submitter. Criteria: ACMG Guidelines, 2015. Collection method: clinical testing. Allele origin: germline. Affected: yes.

Literature cited by the submitters: PubMed 39888183 (cited by Myriad Genetics, Inc.).